The following is an entry in ClinVar:

NM_001854.4(COL11A1):c.2196+5G>A

Gene: COL11A1 (collagen type XI alpha 1 chain; minus strand). Cytogenetic location: 1p21.1.
Variant type: single nucleotide variant.
Coding change: c.2196+5G>A on transcript NM_001854.4 (MANE Select); 5 bases into the intron after coding-DNA position 2196, G replaced by A.
Molecular consequence: intron variant.
Genome position (GRCh38, 1-based): chr1:102,998,305, C>T on the plus strand (G>A on the coding strand, the complement: COL11A1 is on the minus strand). VCF-style: chr1-102998305-C-T. GRCh37 (hg19) VCF-style: chr1-103463861-C-T.
Other names: c.2079+5G>A (NM_001190709.2); c.2232+5G>A (NM_080629.3); c.1848+5G>A (NM_080630.4).
Identifiers: ClinVar variation 1373582 (VCV001373582.6), dbSNP rs2101807527, ClinGen allele CA2573130885.

ClinVar aggregate classification (germline): Uncertain significance (1 of 4 stars; one submission).

Submission:

Labcorp Genetics (formerly Invitae), Labcorp
Classification: Uncertain significance. Last evaluated: 2021-11-23. Review status: criteria provided, single submitter. Criteria: Invitae Variant Classification Sherloc (09022015). Collection method: clinical testing. Allele origin: germline.
Comment: In summary, the available evidence is currently insufficient to determine the role of this variant in disease. Therefore, it has been classified as a Variant of Uncertain Significance. Variants that disrupt the consensus splice site are a relatively common cause of aberrant splicing (PMID: 17576681, 9536098). Algorithms developed to predict the effect of sequence changes on RNA splicing suggest that this variant may disrupt the consensus splice site. This variant has not been reported in the literature in individuals affected with COL11A1-related conditions. This variant is not present in population databases (gnomAD no frequency). This sequence change falls in intron 25 of the COL11A1 gene. It does not directly change the encoded amino acid sequence of the COL11A1 protein. It affects a nucleotide within the consensus splice site.

Literature cited by the submitters: PubMed 17576681; PubMed 9536098.